The following is an entry in ClinVar:

ClinVar aggregate classification (germline): Likely benign. Review status: criteria provided, multiple submitters, no conflicts (2 of 4 stars). 2 submissions from 2 submitters: Likely benign (2). Last evaluated 2025-03-18.

Allele frequency attached by ClinVar (database versions not stated): gnomAD exomes 0.00020 and 0.00055; ExAC 0.00068; 1000 Genomes Project 0.00180; 1000 Genomes Project 30x 0.00203; gnomAD 0.00229 and 0.00253; TOPMed 0.00255; ESP Exome Variant Server 0.00269.

Submissions (2):

Women's Health and Genetics/Laboratory Corporation of America, LabCorp
Classification: Likely benign. Last evaluated: 2025-03-18. Review status: criteria provided, single submitter. Criteria: LabCorp Variant Classification Summary - May 2015. Collection method: clinical testing. Allele origin: germline.
Comment: Variant summary: CTSD c.827+22C>T is located at a position not widely known to affect splicing. Consensus agreement among computation tools predict no significant impact on normal splicing. However, these predictions have yet to be confirmed by functional studies. The variant allele was found at a frequency of 0.00055 in 250180 control chromosomes. This frequency is not significantly higher than estimated for a pathogenic variant in CTSD causing Neuronal ceroid lipofuscinosis 10, allowing no conclusion about variant significance. To our knowledge, no occurrence of c.827+22C>T in individuals affected with Neuronal ceroid lipofuscinosis 10 and no experimental evidence demonstrating its impact on protein function have been reported. ClinVar contains an entry for this variant (Variation ID: 1210638). Based on the evidence outlined above, the variant was classified as likely benign.

GeneDx
Classification: Likely benign. Last evaluated: 2019-12-07. Review status: criteria provided, single submitter. Criteria: GeneDx Variant Classification Process June 2021. Collection method: clinical testing. Allele origin: germline. Affected: yes.

NM_001909.5(CTSD):c.827+22C>T

Gene: CTSD (cathepsin D; minus strand). Cytogenetic location: 11p15.5.
Variant type: single nucleotide variant.
Coding change: c.827+22C>T on transcript NM_001909.5 (MANE Select); 22 bases into the intron after coding-DNA position 827, C replaced by T.
Molecular consequence: intron variant.
Genome position (GRCh38, 1-based): chr11:1,754,884, G>A on the plus strand (C>T on the coding strand, the complement: CTSD is on the minus strand). VCF-style: chr11-1754884-G-A. GRCh37 (hg19) VCF-style: chr11-1776114-G-A.
Identifiers: ClinVar variation 1210638 (VCV001210638.4), dbSNP rs113641298, ClinGen allele CA5814056.
Genomic context (GRCh38, chr11:1,754,884, plus strand): 5'-TGCAGAACCGGGGTCCTCCAGGGTCTCCGCACACCGCCCCCGCCCACAGAACCCAGGGGA[G>A]CCGACTGCAGCCACTACTCACTGGTCCAGGTGGACCTGCCAGTAGGCCTTGCGGGTGACA-3'